The following is an entry in ClinVar:

ClinVar aggregate classification (germline): Uncertain significance. Review status: criteria provided, multiple submitters, no conflicts (2 of 4 stars). 5 submissions from 4 submitters: Uncertain significance (5). Last evaluated 2025-08-30.

Conditions:
Inborn genetic diseases. Identifiers: MedGen C0950123, MeSH D030342.
Amyotrophic lateral sclerosis type 4 (ALS4). Also called: AMYOTROPHIC LATERAL SCLEROSIS 4, JUVENILE; NEURONOPATHY, DISTAL HEREDITARY MOTOR, WITH PYRAMIDAL FEATURES. Identifiers: Orphanet 357043, MedGen C1865409, MONDO:0011223, OMIM 602433.
Spinocerebellar ataxia, autosomal recessive, with axonal neuropathy 2 (SCAN2). Also called: Ataxia-ocular apraxia-2; Ataxia with Oculomotor Apraxia; ATAXIA-OCULOMOTOR APRAXIA 2; Ataxia with Oculomotor Apraxia Type 2. Identifiers: Orphanet 64753, MedGen C1853761, MONDO:0018996, OMIM 606002.

Allele frequency attached by ClinVar (database versions not stated): gnomAD exomes below 0.00001; TOPMed below 0.00001; gnomAD 0.00001.
gnomAD v4.1: 5 of 1,612,322 alleles (0.00031%); highest among the groups gnomAD compares: Non-Finnish European, 0.00042%; no homozygotes.

Submissions (5):

Ambry Genetics
Classification: Uncertain significance for Inborn genetic diseases. Last evaluated: 2025-08-30. Review status: criteria provided, single submitter. Criteria: Ambry Variant Classification Scheme 2023. Collection method: clinical testing. Allele origin: germline.

Labcorp Genetics (formerly Invitae), Labcorp
Classification: Uncertain significance for Amyotrophic lateral sclerosis type 4; Spinocerebellar ataxia, autosomal recessive, with axonal neuropathy 2. Last evaluated: 2025-06-02. Review status: criteria provided, single submitter. Criteria: Invitae Variant Classification Sherloc (09022015). Collection method: clinical testing. Allele origin: germline.
Comment: This sequence change replaces methionine, which is neutral and non-polar, with valine, which is neutral and non-polar, at codon 927 of the SETX protein (p.Met927Val). This variant is not present in population databases (gnomAD no frequency). This variant has not been reported in the literature in individuals affected with SETX-related conditions. ClinVar contains an entry for this variant (Variation ID: 365363). Invitae Evidence Modeling of protein sequence and biophysical properties (such as structural, functional, and spatial information, amino acid conservation, physicochemical variation, residue mobility, and thermodynamic stability) indicates that this missense variant is not expected to disrupt SETX protein function with a negative predictive value of 95%. Algorithms developed to predict the effect of sequence changes on RNA splicing suggest that this variant may create or strengthen a splice site. In summary, the available evidence is currently insufficient to determine the role of this variant in disease. Therefore, it has been classified as a Variant of Uncertain Significance.

GeneDx
Classification: Uncertain significance. Last evaluated: 2023-12-18. Review status: criteria provided, single submitter. Criteria: GeneDx Variant Classification Process June 2021. Collection method: clinical testing. Allele origin: germline.
Comment: Not observed at significant frequency in large population cohorts (gnomAD); In silico analysis supports that this missense variant does not alter protein structure/function; Has not been previously published as pathogenic or benign to our knowledge

Illumina Laboratory Services, Illumina
Classification: Uncertain significance for Amyotrophic lateral sclerosis type 4. Last evaluated: 2018-01-13. Review status: criteria provided, single submitter. Criteria: ICSL Variant Classification Criteria 13 December 2019. Collection method: clinical testing. Allele origin: germline.

Illumina Laboratory Services, Illumina
Classification: Uncertain significance for Spinocerebellar ataxia, autosomal recessive, with axonal neuropathy 2. Last evaluated: 2018-01-13. Review status: criteria provided, single submitter. Criteria: ICSL Variant Classification Criteria 13 December 2019. Collection method: clinical testing. Allele origin: germline.

NM_015046.7(SETX):c.2779A>G (p.Met927Val)

Gene: SETX (senataxin; minus strand). Cytogenetic location: 9q34.13.
Variant type: single nucleotide variant.
Coding change: c.2779A>G on transcript NM_015046.7 (MANE Select); coding-DNA position 2779, A replaced by G.
Protein change: p.Met927Val; replaces methionine 927 with valine.
Molecular consequence: missense variant.
Genome position (GRCh38, 1-based): chr9:132,328,819, T>C on the plus strand (A>G on the coding strand, the complement: SETX is on the minus strand). VCF-style: chr9-132328819-T-C. GRCh37 (hg19) VCF-style: chr9-135204206-T-C.
Other names: c.2779A>G, p.Met927Val (NM_001351527.2, NM_001351528.2); short protein forms M927V.
Identifiers: ClinVar variation 365363 (VCV000365363.10), dbSNP rs886063556, ClinGen allele CA10632617.
Genomic context (GRCh38, chr9:132,328,819, plus strand): 5'-TGATGTCAGGGGCCTGTTCTCTTGTCAAGTTAGAATAAATCACACTGGTACTATTACTCA[T>C]CTCCTCATCTCTTGATTCAGGTACAGTCATAAGATCTTTAAAGGGAGATGATTTCTTCTC-3'
Protein context (NP_055861.3, residues 917-937): MTVPESRDEE[Met927Val]SNSTSVIYSN